The following is an entry in ClinVar:

NM_001557.4(CXCR2):c.119A>G (p.Glu40Gly)

Gene: CXCR2 (C-X-C motif chemokine receptor 2; plus strand). Cytogenetic location: 2q35.
Variant type: single nucleotide variant.
Coding change: c.119A>G on transcript NM_001557.4 (MANE Select); coding-DNA position 119, A replaced by G.
Protein change: p.Glu40Gly; replaces glutamic acid 40 with glycine.
Molecular consequence: missense variant.
Genome position (GRCh38, 1-based): chr2:218,134,920, A>G. VCF-style: chr2-218134920-A-G. GRCh37 (hg19) VCF-style: chr2-218999643-A-G.
Other names: c.119A>G, p.Glu40Gly (NM_001168298.2); short protein forms E40G.
Identifiers: ClinVar variation 1062024 (VCV001062024.9), dbSNP rs200402782, ClinGen allele CA65710544.
Genomic context (GRCh38, chr2:218,134,920, plus strand): 5'-TTAGTAATTACAGTTACAGCTCTACCCTGCCCCCTTTTCTACTAGATGCCGCCCCATGTG[A>G]ACCAGAATCCCTGGAAATCAACAAGTATTTTGTGGTCATTATCTATGCCCTGGTATTCCT-3'
Protein context (NP_001548.1, residues 30-50): PPFLLDAAPC[Glu40Gly]PESLEINKYF

ClinVar aggregate classification (germline): Uncertain significance (1 of 4 stars; one submission).

Allele frequency attached by ClinVar (database versions not stated): gnomAD exomes below 0.00001 and 0.00001.

Submission:

Labcorp Genetics (formerly Invitae), Labcorp
Classification: Uncertain significance. Last evaluated: 2025-08-20. Review status: criteria provided, single submitter. Criteria: Invitae Variant Classification Sherloc (09022015). Collection method: clinical testing. Allele origin: germline.
Comment: This sequence change replaces glutamic acid, which is acidic and polar, with glycine, which is neutral and non-polar, at codon 40 of the CXCR2 protein (p.Glu40Gly). This variant is present in population databases (rs200402782, gnomAD 0.003%). This variant has not been reported in the literature in individuals affected with CXCR2-related conditions. ClinVar contains an entry for this variant (Variation ID: 1062024). An algorithm developed to predict the effect of missense changes on protein structure and function (PolyPhen-2) suggests that this variant is likely to be tolerated. In summary, the available evidence is currently insufficient to determine the role of this variant in disease. Therefore, it has been classified as a Variant of Uncertain Significance.